The following is an entry in ClinVar:

ClinVar aggregate classification (germline): Uncertain significance (1 of 4 stars; one submission).

Conditions:
Familial encephalopathy with neuroserpin inclusion bodies. Also called: ENCEPHALOPATHY, FAMILIAL, WITH COLLINS BODIES. Identifiers: Orphanet 85110, MedGen C1858680, MONDO:0011412, OMIM 604218.

Submission:

Labcorp Genetics (formerly Invitae), Labcorp
Classification: Uncertain significance for Familial encephalopathy with neuroserpin inclusion bodies. Last evaluated: 2025-12-08. Review status: criteria provided, single submitter. Criteria: Invitae Variant Classification Sherloc (09022015). Collection method: clinical testing. Allele origin: germline.
Comment: This sequence change replaces glutamic acid, which is acidic and polar, with lysine, which is basic and polar, at codon 298 of the SERPINI1 protein (p.Glu298Lys). This variant is not present in population databases (gnomAD no frequency). This variant has not been reported in the literature in individuals affected with SERPINI1-related conditions. ClinVar contains an entry for this variant (Variation ID: 1512998). Invitae Evidence Modeling of protein sequence and biophysical properties (such as structural, functional, and spatial information, amino acid conservation, physicochemical variation, residue mobility, and thermodynamic stability) indicates that this missense variant is not expected to disrupt SERPINI1 protein function with a negative predictive value of 80%. In summary, the available evidence is currently insufficient to determine the role of this variant in disease. Therefore, it has been classified as a Variant of Uncertain Significance.

NM_001122752.2(SERPINI1):c.892G>A (p.Glu298Lys)

Gene: SERPINI1 (serpin family I member 1; plus strand). Cytogenetic location: 3q26.1.
Variant type: single nucleotide variant.
Coding change: c.892G>A on transcript NM_001122752.2 (MANE Select); coding-DNA position 892, G replaced by A.
Protein change: p.Glu298Lys; replaces glutamic acid 298 with lysine.
Molecular consequence: missense variant.
Genome position (GRCh38, 1-based): chr3:167,807,254, G>A. VCF-style: chr3-167807254-G-A. GRCh37 (hg19) VCF-style: chr3-167525042-G-A.
Other names: c.892G>A, p.Glu298Lys (NM_005025.5); short protein forms E298K.
Identifiers: ClinVar variation 1512998 (VCV001512998.8), dbSNP rs2108567236, ClinGen allele CA355157378.
Genomic context (GRCh38, chr3:167,807,254, plus strand): 5'-AGGTAACAAGATGCTCTAACTAAATATTTTTCTCCCTATGTGTTCTCCAGGTTCACAGTG[G>A]AACAGGAAATTGATTTAAAAGATGTTTTGAAGGCTCTTGGAATAACTGAAATTTTCATCA-3'
Protein context (NP_001116224.1, residues 288-308): VEVYLPRFTV[Glu298Lys]QEIDLKDVLK